The following is an entry in ClinVar:

ClinVar aggregate classification (germline): Pathogenic (1 of 4 stars; one submission).

Conditions:
Aortic aneurysm, familial thoracic 6 (AAT6). Also called: FAMILIAL THORACIC AORTIC ANEURYSM WITH LIVEDO RETICULARIS AND IRIS FLOCCULI. Identifiers: MedGen C2673186, MONDO:0012730, OMIM 611788.

Submission:

Labcorp Genetics (formerly Invitae), Labcorp
Classification: Pathogenic for Aortic aneurysm, familial thoracic 6. Last evaluated: 2024-02-01. Review status: criteria provided, single submitter. Criteria: Invitae Variant Classification Sherloc (09022015). Collection method: clinical testing. Allele origin: germline.
Comment: This sequence change replaces methionine, which is neutral and non-polar, with isoleucine, which is neutral and non-polar, at codon 46 of the ACTA2 protein (p.Met46Ile). This variant is not present in population databases (gnomAD no frequency). This missense change has been observed in individuals with thoracic aortic aneurysm and/or dissection (Invitae). ClinVar contains an entry for this variant (Variation ID: 239036). Advanced modeling of protein sequence and biophysical properties (such as structural, functional, and spatial information, amino acid conservation, physicochemical variation, residue mobility, and thermodynamic stability) performed at Invitae indicates that this missense variant is expected to disrupt ACTA2 protein function with a positive predictive value of 95%. This variant disrupts the p.Met46 amino acid residue in ACTA2. Other variant(s) that disrupt this residue have been observed in individuals with ACTA2-related conditions (PMID: 30975232, 35567597; Invitae), which suggests that this may be a clinically significant amino acid residue. For these reasons, this variant has been classified as Pathogenic.

Literature cited by the submitters: PubMed 30975232; PubMed 35567597.

NM_001613.4(ACTA2):c.138G>A (p.Met46Ile)

Gene: ACTA2 (actin alpha 2, smooth muscle; minus strand). Cytogenetic location: 10q23.31.
Variant type: single nucleotide variant.
Coding change: c.138G>A on transcript NM_001613.4 (MANE Select); coding-DNA position 138, G replaced by A.
Protein change: p.Met46Ile; replaces methionine 46 with isoleucine.
Molecular consequence: missense variant.
Genome position (GRCh38, 1-based): chr10:88,947,378, C>T on the plus strand (G>A on the coding strand, the complement: ACTA2 is on the minus strand). VCF-style: chr10-88947378-C-T. GRCh37 (hg19) VCF-style: chr10-90707135-C-T.
Other names: c.138G>A, p.Met46Ile (NM_001141945.3, NM_001320855.2, NM_001406462.1 and 4 more transcripts); short protein forms M46I.
Identifiers: ClinVar variation 239036 (VCV000239036.10), dbSNP rs878854466, ClinGen allele CA10582774.